The following continues an entry in ClinVar:

NM_001349338.3(FOXP1):c.1574G>A (p.Arg525Gln)

Gene: FOXP1. ClinVar aggregate classification (germline): Pathogenic/Likely pathogenic. Pathogenic (12); Likely pathogenic (1).

Submissions 10 to 15 of 15:

Women's Health and Genetics/Laboratory Corporation of America, LabCorp
Classification: Pathogenic for MENTAL RETARDATION WITH LANGUAGE IMPAIRMENT AND AUTISTIC FEATURES. Last evaluated: 2020-08-11. Review status: criteria provided, single submitter. Criteria: LabCorp Variant Classification Summary - May 2015. Collection method: clinical testing. Allele origin: germline.
Comment: Variant summary: FOXP1 c.1574G>A (p.Arg525Gln) results in a conservative amino acid change located in the Fork Head domain (IPR001766) of the encoded protein sequence. Four of five in-silico tools predict a damaging effect of the variant on protein function. The variant was absent in 251486 control chromosomes. c.1574G>A has been reported in the literature in three patients who all presented with global developmental delay, autism spectrum disorder, and characteristic dysmorphic features, with other phenotypic features being unique to particular patients (Bekheirnia_2017, Myers_2017, Johnson_2018). Two of these patients had confirmed de novo inheritance of the variant, while one was missing maternal sample, however paternal and unaffected full siblings samples were negative for the variant. A functional study reported that despite normal nuclear localization of the variant protein in vitro, the ability to transcriptionally repress the SV40 promoter was severely diminished compared to wild-type (Johnson_2018). One clinical diagnostic laboratory has submitted clinical-significance assessments for this variant to ClinVar after 2014 without evidence for independent evaluation, and classified the variant as pathogenic. Based on the evidence outlined above, the variant was classified as pathogenic.

Ambry Genetics
Classification: Pathogenic for Inborn genetic diseases. Last evaluated: 2016-06-06. Review status: criteria provided, single submitter. Criteria: Ambry exome assertion method (8-5-2015). Collection method: clinical testing. Allele origin: germline. Affected: yes. Observed: 1 variant allele.

Baylor Genetics
Classification: Pathogenic for Intellectual disability-severe speech delay-mild dysmorphism syndrome. Review status: criteria provided, single submitter. Criteria: ACMG Guidelines, 2015. Collection method: clinical testing. Allele origin: unknown.

Juno Genomics, Hangzhou Juno Genomics, Inc
Classification: Pathogenic for Intellectual disability-severe speech delay-mild dysmorphism syndrome. Review status: criteria provided, single submitter. Criteria: ACMG Guidelines, 2015. Collection method: clinical testing. Allele origin: germline. Affected: yes.
Comment: Absent from controls (or at extremely low frequency if recessive) in Genome Aggregation Database.;Well-established in vitro or in vivo functional studies supportive of a damaging effect on the gene or gene product.;The prevalence of the variant in affected individuals is significantly increased compared to the prevalence in controls.;De novo (both maternity and paternity confirmed) in a patient with the disease and no family history.;Patient's phenotype or family history is highly specific for a disease with a single genetic etiology.

Joint Genome Diagnostic Labs from Nijmegen and Maastricht, Radboudumc and MUMC+
Classification: Pathogenic. Review status: no assertion criteria provided. Collection method: clinical testing. Allele origin: germline. Affected: yes. Study: VKGL Data-share Consensus. Not counted in ClinVar's aggregate classification.

Laboratory of Diagnostic Genome Analysis, Leiden University Medical Center (LUMC)
Classification: Likely pathogenic. Review status: no assertion criteria provided. Collection method: clinical testing. Allele origin: germline. Affected: yes. Study: VKGL Data-share Consensus. Not counted in ClinVar's aggregate classification.

Literature cited by the submitters: PubMed 27657687 (cited by 4 submitters); PubMed 30385778 (cited by 6 submitters); PubMed 34588003 (cited by Dasa and Molecular Genetics, Royal Melbourne Hospital); PubMed 28884888 (cited by Dasa and Women's Health and Genetics/Laboratory Corporation of America, LabCorp); PubMed 31199603 (cited by 3 submitters); PubMed 25326635 (cited by Baylor Genetics).